The following is an entry in ClinVar:

ClinVar aggregate classification (germline): Conflicting classifications of pathogenicity. Review status: criteria provided, conflicting classifications (1 of 4 stars). 6 submissions from 6 submitters: Likely pathogenic (3); Uncertain significance (3). Last evaluated 2024-05-27.

Conditions:
Mucopolysaccharidosis type 6 (MPS6). Also called: MPS VI; N-ACETYLGALACTOSAMINE-4-SULFATASE DEFICIENCY; ARSB DEFICIENCY; ARYLSULFATASE B DEFICIENCY; MPS 6; Maroteaux Lamy syndrome. Identifiers: Orphanet 583, MedGen C0026709, MONDO:0009661, OMIM 253200.

Allele frequency attached by ClinVar (database versions not stated): gnomAD exomes 0.00006 and 0.00004; gnomAD 0.00007; ESP Exome Variant Server 0.00008; ExAC 0.00010; TOPMed 0.00004.
gnomAD v4.1: 76 of 1,613,940 alleles (0.0047%); highest among the groups gnomAD compares: Non-Finnish European, 0.0058%; no homozygotes.

Submissions (6):

Blueprint Genetics
Classification: Uncertain significance. Last evaluated: 2024-05-27. Review status: criteria provided, single submitter. Criteria: ACMG Guidelines, 2015. Collection method: clinical testing. Allele origin: germline.

Fulgent Genetics
Classification: Likely pathogenic for Mucopolysaccharidosis type 6. Last evaluated: 2024-02-28. Review status: criteria provided, single submitter. Criteria: ACMG Guidelines, 2015. Collection method: clinical testing. Allele origin: germline.

Women's Health and Genetics/Laboratory Corporation of America, LabCorp
Classification: Likely pathogenic for Mucopolysaccharidosis type 6. Last evaluated: 2023-03-18. Review status: criteria provided, single submitter. Criteria: LabCorp Variant Classification Summary - May 2015. Collection method: clinical testing. Allele origin: germline.
Comment: Variant summary: ARSB c.667A>G (p.Ile223Val) results in a conservative amino acid change located in the Sulfatase, N-terminal domain (IPR000917) of the encoded protein sequence. Three of five in-silico tools predict a benign effect of the variant on protein function. The variant allele was found at a frequency of 6e-05 in 251246 control chromosomes (gnomAD). This frequency is not significantly higher than estimated for a pathogenic variant in ARSB causing Mucopolysaccharidosis Type VI (Maroteaux-Lamy Syndrome) (6e-05 vs 0.0022), allowing no conclusion about variant significance. c.667A>G has been reported in the literature in at least one homozygous individual affected with Mucopolysaccharidosis Type VI (Maroteaux-Lamy Syndrome, Karageorgos_2007). These data indicate that the variant may be associated with disease. Fibroblasts from this homozygous patient had reduced ARSB protein expression and undetectable ARSB activity (Karageorgos_2007). Three ClinVar submitters have assessed the variant since 2014: two classified the variant as uncertain significance and one as likely pathogenic. Based on the evidence outlined above, the variant was classified as likely pathogenic.

Revvity Omics, Revvity
Classification: Uncertain significance for Mucopolysaccharidosis type 6. Last evaluated: 2022-08-25. Review status: criteria provided, single submitter. Criteria: ACMG Guidelines, 2015. Collection method: clinical testing. Allele origin: germline.

Labcorp Genetics (formerly Invitae), Labcorp
Classification: Uncertain significance for Mucopolysaccharidosis type 6. Last evaluated: 2022-07-04. Review status: criteria provided, single submitter. Criteria: Invitae Variant Classification Sherloc (09022015). Collection method: clinical testing. Allele origin: germline.
Comment: This sequence change replaces isoleucine, which is neutral and non-polar, with valine, which is neutral and non-polar, at codon 223 of the ARSB protein (p.Ile223Val). This variant is present in population databases (rs367650121, gnomAD 0.01%). This missense change has been observed in individual(s) with mucopolysaccharidosis type VI (PMID: 17458871). ClinVar contains an entry for this variant (Variation ID: 559803). Advanced modeling of protein sequence and biophysical properties (such as structural, functional, and spatial information, amino acid conservation, physicochemical variation, residue mobility, and thermodynamic stability) performed at Invitae indicates that this missense variant is expected to disrupt ARSB protein function. Algorithms developed to predict the effect of sequence changes on RNA splicing suggest that this variant may create or strengthen a splice site. In summary, the available evidence is currently insufficient to determine the role of this variant in disease. Therefore, it has been classified as a Variant of Uncertain Significance.

Laboratory of Diagnosis and Therapy of Lysosomal Disorders, University of Padova
Classification: Likely pathogenic for Mucopolysaccharidosis type 6. Last evaluated: 2018-01-01. Review status: criteria provided, single submitter. Criteria: ACMG Guidelines, 2015. Collection method: curation. Allele origin: germline. Affected: yes.
Comment: In vitro functional studies supportive of a damaging effect on the gene product (low to no ARSB activity in homozygotes; PS3); Very low frequency in GnomAD (PM2)

Literature cited by the submitters: PubMed 17458871 (cited by 3 submitters); PubMed 30118150 (cited by Laboratory of Diagnosis and Therapy of Lysosomal Disorders, University of Padova).

NM_000046.5(ARSB):c.667A>G (p.Ile223Val)

Gene: ARSB (arylsulfatase B; minus strand). Cytogenetic location: 5q14.1.
Variant type: single nucleotide variant.
Coding change: c.667A>G on transcript NM_000046.5 (MANE Select); coding-DNA position 667, A replaced by G.
Protein change: p.Ile223Val; replaces isoleucine 223 with valine.
Molecular consequence: missense variant.
Genome position (GRCh38, 1-based): chr5:78,964,439, T>C on the plus strand (A>G on the coding strand, the complement: ARSB is on the minus strand). VCF-style: chr5-78964439-T-C. GRCh37 (hg19) VCF-style: chr5-78260262-T-C.
Other names: c.667A>G (NM_000046.3); c.667A>G, p.Ile223Val (NM_198709.3); short protein forms I223V.
Identifiers: ClinVar variation 559803 (VCV000559803.11), dbSNP rs367650121, ClinGen allele CA3318213.